The following is an entry in ClinVar:

ClinVar aggregate classification (germline): Uncertain significance. Review status: criteria provided, multiple submitters, no conflicts (2 of 4 stars). 2 submissions from 2 submitters: Uncertain significance (2). Last evaluated 2024-01-25.

Conditions:
Pierson syndrome. Also called: MICROCORIA-CONGENITAL NEPHROTIC SYNDROME. Identifiers: Orphanet 2670, MedGen C1836876, MONDO:0012184, OMIM 609049.
LAMB2-related infantile-onset nephrotic syndrome. Also called: NEPHROTIC SYNDROME, TYPE 5, WITHOUT OCULAR ABNORMALITIES; NEPHROTIC SYNDROME, TYPE 5, WITH OCULAR ABNORMALITIES; Nephrotic Syndrome, type 5. Identifiers: Orphanet 306507, MedGen C3280113, MONDO:0013621, OMIM 614199.

Allele frequency attached by ClinVar (database versions not stated): ExAC 0.00005; gnomAD exomes 0.00005 and 0.00012; ESP Exome Variant Server 0.00008; gnomAD 0.00014 and 0.00015; TOPMed 0.00014; 1000 Genomes Project 0.00040; 1000 Genomes Project 30x 0.00078.
gnomAD v4.1: 189 of 1,614,122 alleles (0.012%); highest among the groups gnomAD compares: East Asian, 0.018%; no homozygotes.

Submissions (2):

Fulgent Genetics
Classification: Uncertain significance for Pierson syndrome; LAMB2-related infantile-onset nephrotic syndrome. Last evaluated: 2024-01-25. Review status: criteria provided, single submitter. Criteria: ACMG Guidelines, 2015. Collection method: clinical testing. Allele origin: germline.

Labcorp Genetics (formerly Invitae), Labcorp
Classification: Uncertain significance for LAMB2-related infantile-onset nephrotic syndrome; Pierson syndrome. Last evaluated: 2022-07-19. Review status: criteria provided, single submitter. Criteria: Invitae Variant Classification Sherloc (09022015). Collection method: clinical testing. Allele origin: germline.
Comment: This sequence change replaces arginine, which is basic and polar, with cysteine, which is neutral and slightly polar, at codon 812 of the LAMB2 protein (p.Arg812Cys). This variant is present in population databases (rs151134957, gnomAD 0.02%). This variant has not been reported in the literature in individuals affected with LAMB2-related conditions. ClinVar contains an entry for this variant (Variation ID: 472472). Algorithms developed to predict the effect of missense changes on protein structure and function output the following: SIFT: "Deleterious"; PolyPhen-2: "Benign"; Align-GVGD: "Class C65". The cysteine amino acid residue is found in multiple mammalian species, which suggests that this missense change does not adversely affect protein function. In summary, the available evidence is currently insufficient to determine the role of this variant in disease. Therefore, it has been classified as a Variant of Uncertain Significance.

NM_002292.4(LAMB2):c.2434C>T (p.Arg812Cys)

Gene: LAMB2 (laminin subunit beta 2; minus strand). Cytogenetic location: 3p21.31.
Variant type: single nucleotide variant.
Coding change: c.2434C>T on transcript NM_002292.4 (MANE Select); coding-DNA position 2434, C replaced by T.
Protein change: p.Arg812Cys; replaces arginine 812 with cysteine.
Molecular consequence: missense variant.
Genome position (GRCh38, 1-based): chr3:49,125,801, G>A on the plus strand (C>T on the coding strand, the complement: LAMB2 is on the minus strand). VCF-style: chr3-49125801-G-A. GRCh37 (hg19) VCF-style: chr3-49163234-G-A.
Other names: short protein forms R812C.
Identifiers: ClinVar variation 472472 (VCV000472472.5), dbSNP rs151134957, ClinGen allele CA2394301.
Genomic context (GRCh38, chr3:49,125,801, plus strand): 5'-GAGTACCTTGACAGCCTGTGGGGCCAAAGCCATAGTAGCCAGGGGCACAGAGGTCACAGC[G>A]GCGCCCAACCACTCCAGGCTTGCACAGGCACTGACCACCATGAGGGTTGCACTCAGAACT-3'
Protein context (NP_002283.3, residues 802-822): CLCKPGVVGR[Arg812Cys]CDLCAPGYYG